The following is an entry in ClinVar:

ClinVar aggregate classification (germline): Uncertain significance (1 of 4 stars; one submission).

Conditions:
Cardiovascular phenotype. Identifiers: MedGen CN230736.

Allele frequency attached by ClinVar (database versions not stated): gnomAD exomes below 0.00001; ExAC 0.00001; gnomAD 0.00002; TOPMed 0.00002.
gnomAD v4.1: 4 of 1,613,064 alleles (0.00025%); highest among the groups gnomAD compares: African/African-American, 0.0053%; no homozygotes.

Submission:

Ambry Genetics
Classification: Uncertain significance for Cardiovascular phenotype. Last evaluated: 2024-07-11. Review status: criteria provided, single submitter. Criteria: Ambry Variant Classification Scheme 2023. Collection method: clinical testing. Allele origin: germline.
Comment: The p.T3697I variant (also known as c.11090C>T), located in coding exon 45 of the AKAP9 gene, results from a C to T substitution at nucleotide position 11090. The threonine at codon 3697 is replaced by isoleucine, an amino acid with similar properties. This amino acid position is poorly conserved in available vertebrate species. In addition, this alteration is predicted to be tolerated by in silico analysis. The evidence for this gene-disease relationship is limited; therefore, the clinical significance of this alteration is unclear.

NM_005751.5(AKAP9):c.11090C>T (p.Thr3697Ile)

Gene: AKAP9 (A-kinase anchoring protein 9; plus strand). Cytogenetic location: 7q21.2.
Variant type: single nucleotide variant.
Coding change: c.11090C>T on transcript NM_005751.5 (MANE Select); coding-DNA position 11090, C replaced by T.
Protein change: p.Thr3697Ile; replaces threonine 3697 with isoleucine.
Molecular consequence: missense variant.
Genome position (GRCh38, 1-based): chr7:92,101,049, C>T. VCF-style: chr7-92101049-C-T. GRCh37 (hg19) VCF-style: chr7-91730363-C-T.
Other names: c.5735C>T, p.Thr1912Ile (NM_001379277.1); c.11066C>T, p.Thr3689Ile (NM_147185.3); short protein forms T3697I, T1912I, T3689I.
Identifiers: ClinVar variation 1794427 (VCV001794427.3), dbSNP rs769625141, ClinGen allele CA4338075.